The following is an entry in ClinVar:

ClinVar aggregate classification (germline): Uncertain significance (1 of 4 stars; one submission).

Allele frequency attached by ClinVar (database versions not stated): gnomAD exomes 0.00001.
gnomAD v4.1: 8 of 1,614,262 alleles (0.0005%); highest among the groups gnomAD compares: South Asian, 0.0088%; no homozygotes.

Submission:

GeneDx
Classification: Uncertain significance. Last evaluated: 2019-12-18. Review status: criteria provided, single submitter. Criteria: GeneDx Variant Classification Process June 2021. Collection method: clinical testing. Allele origin: germline. Affected: yes.
Comment: In silico analysis, which includes protein predictors and evolutionary conservation, supports that this variant does not alter protein structure/function; Has not been previously published as pathogenic or benign to our knowledge

NM_001243133.2(NLRP3):c.1183A>G (p.Ser395Gly)

Gene: NLRP3 (NLR family pyrin domain containing 3; plus strand). Cytogenetic location: 1q44.
Variant type: single nucleotide variant.
Coding change: c.1183A>G on transcript NM_001243133.2 (MANE Select); coding-DNA position 1183, A replaced by G.
Protein change: p.Ser395Gly; replaces serine 395 with glycine.
Molecular consequence: missense variant.
Genome position (GRCh38, 1-based): chr1:247,424,632, A>G. VCF-style: chr1-247424632-A-G. GRCh37 (hg19) VCF-style: chr1-247587934-A-G.
Other names: c.1183A>G, p.Ser395Gly (NM_001079821.3, NM_001127461.3, NM_001127462.3 and 1 more transcripts); c.1189A>G, p.Ser397Gly (NM_004895.5); short protein forms S395G, S397G.
Identifiers: ClinVar variation 1310677 (VCV001310677.2), dbSNP rs747102656, ClinGen allele CA1494995.
Genomic context (GRCh38, chr1:247,424,632, plus strand): 5'-AAAAGGAAAGAGTACTTCTTCAAGTACTTCTCTGATGAGGCCCAAGCCAGGGCAGCCTTC[A>G]GTCTGATTCAGGAGAACGAGGTCCTCTTCACCATGTGCTTCATCCCCCTGGTCTGCTGGA-3'
Protein context (NP_001230062.1, residues 385-405): SDEAQARAAF[Ser395Gly]LIQENEVLFT